The following is an entry in ClinVar:

ClinVar aggregate classification (germline): Uncertain significance (1 of 4 stars; one submission).

Allele frequency attached by ClinVar (database versions not stated): gnomAD exomes below 0.00001.
gnomAD v4.1: 3 of 1,614,184 alleles (0.00019%); highest among the groups gnomAD compares: Non-Finnish European, 0.00017%; no homozygotes.

Submission:

Labcorp Genetics (formerly Invitae), Labcorp
Classification: Uncertain significance. Last evaluated: 2021-12-03. Review status: criteria provided, single submitter. Criteria: Invitae Variant Classification Sherloc (09022015). Collection method: clinical testing. Allele origin: germline.
Comment: This variant is not present in population databases (gnomAD no frequency). This sequence change replaces leucine, which is neutral and non-polar, with phenylalanine, which is neutral and non-polar, at codon 398 of the TWNK protein (p.Leu398Phe). This variant has not been reported in the literature in individuals affected with TWNK-related conditions. Advanced modeling of protein sequence and biophysical properties (such as structural, functional, and spatial information, amino acid conservation, physicochemical variation, residue mobility, and thermodynamic stability) performed at Invitae indicates that this missense variant is expected to disrupt TWNK protein function. In summary, the available evidence is currently insufficient to determine the role of this variant in disease. Therefore, it has been classified as a Variant of Uncertain Significance.

NM_021830.5(TWNK):c.1192C>T (p.Leu398Phe)

Gene: TWNK (twinkle mtDNA helicase; plus strand). Cytogenetic location: 10q24.31.
Variant type: single nucleotide variant.
Coding change: c.1192C>T on transcript NM_021830.5 (MANE Select); coding-DNA position 1192, C replaced by T.
Protein change: p.Leu398Phe; replaces leucine 398 with phenylalanine.
Molecular consequence: missense variant. On other transcripts: non-coding transcript variant (4), intron variant (3).
Genome position (GRCh38, 1-based): chr10:100,989,402, C>T. VCF-style: chr10-100989402-C-T. GRCh37 (hg19) VCF-style: chr10-102749159-C-T.
Other names: c.1192C>T, p.Leu398Phe (NM_001163812.2); c.-119-242C>T (NM_001163814.2, NM_001163813.2); c.-57-304C>T (NM_001368275.1); short protein forms L398F.
Identifiers: ClinVar variation 1502393 (VCV001502393.8), dbSNP rs2133938637, ClinGen allele CA378210031.